The following is an entry in ClinVar:

ClinVar aggregate classification (germline): Uncertain significance (1 of 4 stars; one submission).

Allele frequency attached by ClinVar (database versions not stated): gnomAD exomes 0.00002; TOPMed 0.00002; ExAC 0.00003.
gnomAD v4.1: 16 of 1,611,490 alleles (0.00099%); highest among the groups gnomAD compares: East Asian, 0.011%; no homozygotes.

Submission:

Labcorp Genetics (formerly Invitae), Labcorp
Classification: Uncertain significance. Last evaluated: 2022-07-20. Review status: criteria provided, single submitter. Criteria: Invitae Variant Classification Sherloc (09022015). Collection method: clinical testing. Allele origin: germline.
Comment: This variant is present in population databases (rs767508969, gnomAD 0.02%). This sequence change replaces arginine, which is basic and polar, with tryptophan, which is neutral and slightly polar, at codon 692 of the AP3D1 protein (p.Arg692Trp). This variant has not been reported in the literature in individuals affected with AP3D1-related conditions. ClinVar contains an entry for this variant (Variation ID: 1370148). Algorithms developed to predict the effect of missense changes on protein structure and function are either unavailable or do not agree on the potential impact of this missense change (SIFT: "Deleterious"; PolyPhen-2: "Possibly Damaging"; Align-GVGD: "Class C0"). In summary, the available evidence is currently insufficient to determine the role of this variant in disease. Therefore, it has been classified as a Variant of Uncertain Significance.

NM_001261826.3(AP3D1):c.2074C>T (p.Arg692Trp)

Gene: AP3D1 (adaptor related protein complex 3 subunit delta 1; minus strand). Cytogenetic location: 19p13.3.
Variant type: single nucleotide variant.
Coding change: c.2074C>T on transcript NM_001261826.3 (MANE Select); coding-DNA position 2074, C replaced by T.
Protein change: p.Arg692Trp; replaces arginine 692 with tryptophan.
Molecular consequence: missense variant.
Genome position (GRCh38, 1-based): chr19:2,115,613, G>A on the plus strand (C>T on the coding strand, the complement: AP3D1 is on the minus strand). VCF-style: chr19-2115613-G-A. GRCh37 (hg19) VCF-style: chr19-2115612-G-A.
Other names: c.2074C>T, p.Arg692Trp (NM_001374799.1, NM_003938.8); short protein forms R692W.
Identifiers: ClinVar variation 1370148 (VCV001370148.6), dbSNP rs767508969, ClinGen allele CA9059027.